The following is an entry in ClinVar:

ClinVar aggregate classification (germline): Uncertain significance. Review status: criteria provided, multiple submitters, no conflicts (2 of 4 stars). 3 submissions from 3 submitters: Uncertain significance (2). 1 of the submissions does not count toward it. Last evaluated 2026-07-20.

Conditions:
POLE-related disorder. Also called: POLE-related condition; POLE-related disorders.
Hereditary cancer-predisposing syndrome. Also called: Neoplastic Syndromes, Hereditary; Hereditary Cancer Syndrome; Hereditary neoplastic syndrome; Tumor predisposition. Identifiers: Orphanet 140162, MedGen C0027672, MeSH D009386, MONDO:0015356.

Allele frequency attached by ClinVar (database versions not stated): gnomAD exomes below 0.00001.

Submissions (3):

Ambry Genetics
Classification: Uncertain significance for Hereditary cancer-predisposing syndrome. Last evaluated: 2026-07-20. Review status: criteria provided, single submitter. Criteria: Ambry Variant Classification Scheme 2023. Collection method: clinical testing. Allele origin: germline.
Comment: The p.N1737S variant (also known as c.5210A>G), located in coding exon 39 of the POLE gene, results from an A to G substitution at nucleotide position 5210. The asparagine at codon 1737 is replaced by serine, an amino acid with highly similar properties. This amino acid position is conserved. In addition, this alteration is predicted to be tolerated by in silico analysis. Based on the available evidence, the clinical significance of this variant remains unclear.

Labcorp Genetics (formerly Invitae), Labcorp
Classification: Uncertain significance. Last evaluated: 2024-09-04. Review status: criteria provided, single submitter. Criteria: Invitae Variant Classification Sherloc (09022015). Collection method: clinical testing. Allele origin: germline.
Comment: This sequence change replaces asparagine, which is neutral and polar, with serine, which is neutral and polar, at codon 1737 of the POLE protein (p.Asn1737Ser). This variant is not present in population databases (gnomAD no frequency). This variant has not been reported in the literature in individuals affected with POLE-related conditions. ClinVar contains an entry for this variant (Variation ID: 575155). Invitae Evidence Modeling of protein sequence and biophysical properties (such as structural, functional, and spatial information, amino acid conservation, physicochemical variation, residue mobility, and thermodynamic stability) indicates that this missense variant is not expected to disrupt POLE protein function with a negative predictive value of 80%. In summary, the available evidence is currently insufficient to determine the role of this variant in disease. Therefore, it has been classified as a Variant of Uncertain Significance.

PreventionGenetics, part of Exact Sciences
Classification: Uncertain significance for POLE-related condition. Last evaluated: 2024-09-27. Review status: no assertion criteria provided. Collection method: clinical testing. Allele origin: germline. Not counted in ClinVar's aggregate classification.
Comment: The POLE c.5210A>G variant is predicted to result in the amino acid substitution p.Asn1737Ser. To our knowledge, this variant has not been reported in the literature or in a large population database, indicating this variant is rare. At this time, the clinical significance of this variant is uncertain due to the absence of conclusive functional and genetic evidence.

NM_006231.4(POLE):c.5210A>G (p.Asn1737Ser)

Gene: POLE (DNA polymerase epsilon, catalytic subunit; minus strand). Cytogenetic location: 12q24.33.
Variant type: single nucleotide variant.
Coding change: c.5210A>G on transcript NM_006231.4 (MANE Select); coding-DNA position 5210, A replaced by G.
Protein change: p.Asn1737Ser; replaces asparagine 1737 with serine.
Molecular consequence: missense variant.
Genome position (GRCh38, 1-based): chr12:132,641,815, T>C on the plus strand (A>G on the coding strand, the complement: POLE is on the minus strand). VCF-style: chr12-132641815-T-C. GRCh37 (hg19) VCF-style: chr12-133218401-T-C.
Other names: c.5210A>G (NM_006231.2); short protein forms N1737S.
Identifiers: ClinVar variation 575155 (VCV000575155.8), dbSNP rs1565936216, ClinGen allele CA387376428.